The following is an entry in ClinVar:

NM_001130438.3(SPTAN1):c.37G>C (p.Glu13Gln)

Gene: SPTAN1 (spectrin alpha, non-erythrocytic 1; plus strand). Cytogenetic location: 9q34.11.
Variant type: single nucleotide variant.
Coding change: c.37G>C on transcript NM_001130438.3 (MANE Select); coding-DNA position 37, G replaced by C.
Protein change: p.Glu13Gln; replaces glutamic acid 13 with glutamine.
Molecular consequence: missense variant.
Genome position (GRCh38, 1-based): chr9:128,566,777, G>C. VCF-style: chr9-128566777-G-C. GRCh37 (hg19) VCF-style: chr9-131329056-G-C.
Other names: c.37G>C, p.Glu13Gln (NM_001195532.2, NM_001363759.2, NM_001363765.2 and 5 more transcripts); c.73G>C, p.Glu25Gln (NM_001375312.2, NM_001375318.1); short protein forms E13Q, E25Q.
Identifiers: ClinVar variation 2627514 (VCV002627514.1), dbSNP rs1459408730, ClinGen allele CA375049385.

ClinVar aggregate classification (germline): Uncertain significance (1 of 4 stars; one submission).

Conditions:
Developmental and epileptic encephalopathy, 5 (DEE5). Identifiers: Orphanet 3451, MedGen C3150731, MONDO:0013277, OMIM 613477.

Submission:

Neuberg Centre For Genomic Medicine, NCGM
Classification: Uncertain significance for Developmental and epileptic encephalopathy, 5. Review status: criteria provided, single submitter. Criteria: ACMG Guidelines, 2015. Collection method: clinical testing. Allele origin: germline. Inheritance: Autosomal dominant inheritance. Affected: yes.
Comment: The missense variant p.E13Q in SPTAN1 (NM_001130438.3) has not been reported previously as a pathogenic variant nor as a benign variant, to our knowledge. The p.E13Q variant is novel (not in any individuals) in gnomAD Exomes and is novel (not in any individuals) in 1000 Genomes. The p.E13Q missense variant is predicted to be damaging by both SIFT and PolyPhen2. The glutamic acid residue at codon 13 of SPTAN1 is conserved in all mammalian species. The nucleotide c.37 in SPTAN1 is predicted conserved by GERP++ and PhyloP across 100 vertebrates. For these reasons, this variant has been classified as Uncertain Significance.